The following is an entry in ClinVar:

NM_001035.3(RYR2):c.13449A>G (p.Lys4483=)

Gene: RYR2 (ryanodine receptor 2; plus strand). Cytogenetic location: 1q43.
Variant type: single nucleotide variant.
Coding change: c.13449A>G on transcript NM_001035.3 (MANE Select); coding-DNA position 13449, A replaced by G.
Protein change: p.Lys4483=; no amino-acid change (lysine 4483 retained).
Molecular consequence: synonymous variant.
Genome position (GRCh38, 1-based): chr1:237,788,108, A>G. VCF-style: chr1-237788108-A-G. GRCh37 (hg19) VCF-style: chr1-237951408-A-G.
Other names: c.13449A>G, p.Lys4483= (LRG_402t1).
Identifiers: ClinVar variation 463566 (VCV000463566.36), dbSNP rs1008224442, ClinGen allele CA39830367.

ClinVar aggregate classification (germline): Likely benign. Review status: criteria provided, multiple submitters, no conflicts (2 of 4 stars). 5 submissions from 5 submitters: Likely benign (5). Last evaluated 2025-12-13.

Conditions:
Cardiovascular phenotype. Identifiers: MedGen CN230736.
Catecholaminergic polymorphic ventricular tachycardia (CVPT). Also called: Catecholamine-induced polymorphic ventricular tachycardia. Identifiers: Orphanet 3286, MedGen C5574922, MONDO:0017990.
Catecholaminergic polymorphic ventricular tachycardia 1. Also called: VENTRICULAR TACHYCARDIA, STRESS-INDUCED POLYMORPHIC 1; VENTRICULAR TACHYCARDIA, CATECHOLAMINERGIC POLYMORPHIC, 1, WITH OR WITHOUT ATRIAL DYSFUNCTION AND/OR DILATED CARDIOMYOPATHY; RYR2-Related Catecholaminergic Polymorphic Ventricular Tachycardia. Identifiers: Orphanet 3286, MedGen C1631597, MONDO:0011484, OMIM 604772.
Cardiomyopathy (CMYO). Also called: Cardiomyopathies. Identifiers: Orphanet 167848, MedGen C0878544, MONDO:0004994, HP:0001638. Inheritance: Various modes of inheritance.

Allele frequency attached by ClinVar (database versions not stated): gnomAD 0.00001; gnomAD exomes 0.00001; TOPMed 0.00002.
gnomAD v4.1: 13 of 1,612,062 alleles (0.00081%); highest among the groups gnomAD compares: Non-Finnish European, 0.0011%; no homozygotes.

Submissions (5):

Labcorp Genetics (formerly Invitae), Labcorp
Classification: Likely benign for Catecholaminergic polymorphic ventricular tachycardia 1. Last evaluated: 2025-12-13. Review status: criteria provided, single submitter. Criteria: Invitae Variant Classification Sherloc (09022015). Collection method: clinical testing. Allele origin: germline.

All of Us Research Program, National Institutes of Health
Classification: Likely benign for Catecholaminergic polymorphic ventricular tachycardia. Last evaluated: 2023-10-30. Review status: criteria provided, single submitter. Criteria: ACMG Guidelines, 2015. Collection method: clinical testing. Allele origin: germline. Inheritance: Autosomal dominant inheritance. Observed: 8 variant alleles, 8 heterozygotes.
Comment: This study involves interpretation of variants in research participants for the purpose of population health screening. Participant phenotype was not available at the time of variant classification. Additional details can be found in publication PMID: 35346344, PMCID: PMC8962531

Phosphorus, Inc.
Classification: Likely benign. Last evaluated: 2022-01-14. Review status: criteria provided, single submitter. Criteria: ACMG Guidelines, 2015. Collection method: clinical testing. Allele origin: germline. Inheritance: Autosomal dominant inheritance.
Comment: This synonymous variant is a silent variation that is not predicted to change the amino acid sequence of the protein and has occurred in gnomAD with a total MAF of 0.0008% and with the highest MAF of 0.0018% in the European population. This variant has been reported in ClinVar (463566) NM_001035.3(RYR2):c.13449A>G (p.Lys4483=). This position is not conserved. In silico splicing algorithms predicted no impact on splicing (not found in scSNV and is 28 bases away from the canonical splice-site in transcript, NM_001035.2). The variant has not occurred in the literature in the association with the disease. Considering the splice distance and that it is a silent change that does not have an apparent effect on RNA splicing machinery, the variant has been classified as Likely Benign.

Ambry Genetics
Classification: Likely benign for Cardiovascular phenotype. Last evaluated: 2021-05-09. Review status: criteria provided, single submitter. Criteria: Ambry Variant Classification Scheme 2023. Collection method: clinical testing. Allele origin: germline.

Color Diagnostics, LLC DBA Color Health
Classification: Likely benign for Cardiomyopathy. Last evaluated: 2018-10-30. Review status: criteria provided, single submitter. Criteria: ACMG Guidelines, 2015. Collection method: clinical testing. Allele origin: germline.